The following is an entry in ClinVar:

ClinVar aggregate classification (germline): Uncertain significance (1 of 4 stars; one submission).

Allele frequency attached by ClinVar (database versions not stated): gnomAD 0.00001; gnomAD exomes 0.00001 and 0.00002; TOPMed 0.00002; ExAC 0.00003; ESP Exome Variant Server 0.00008.
gnomAD v4.1: 21 of 1,613,880 alleles (0.0013%); highest among the groups gnomAD compares: South Asian, 0.0077%; no homozygotes.

Submission:

Labcorp Genetics (formerly Invitae), Labcorp
Classification: Uncertain significance. Last evaluated: 2021-12-02. Review status: criteria provided, single submitter. Criteria: Invitae Variant Classification Sherloc (09022015). Collection method: clinical testing. Allele origin: germline.
Comment: In summary, the available evidence is currently insufficient to determine the role of this variant in disease. Therefore, it has been classified as a Variant of Uncertain Significance. Algorithms developed to predict the effect of missense changes on protein structure and function are either unavailable or do not agree on the potential impact of this missense change (SIFT: "Not Available"; PolyPhen-2: "Possibly Damaging"; Align-GVGD: "Not Available"). This variant has not been reported in the literature in individuals affected with DDRGK1-related conditions. This variant is present in population databases (rs142914025, gnomAD 0.007%). This sequence change replaces arginine, which is basic and polar, with glutamine, which is neutral and polar, at codon 145 of the DDRGK1 protein (p.Arg145Gln).

NM_023935.3(DDRGK1):c.434G>A (p.Arg145Gln)

Gene: DDRGK1 (DDRGK domain containing 1; minus strand). Cytogenetic location: 20p13.
Variant type: single nucleotide variant.
Coding change: c.434G>A on transcript NM_023935.3 (MANE Select); coding-DNA position 434, G replaced by A.
Protein change: p.Arg145Gln; replaces arginine 145 with glutamine.
Molecular consequence: missense variant.
Genome position (GRCh38, 1-based): chr20:3,200,077, C>T on the plus strand (G>A on the coding strand, the complement: DDRGK1 is on the minus strand). VCF-style: chr20-3200077-C-T. GRCh37 (hg19) VCF-style: chr20-3180723-C-T.
Other names: short protein forms R145Q.
Identifiers: ClinVar variation 1496866 (VCV001496866.6), dbSNP rs142914025, ClinGen allele CA9740935.